The following is an entry in ClinVar:

ClinVar aggregate classification (germline): Uncertain significance. Review status: criteria provided, multiple submitters, no conflicts (2 of 4 stars). 2 submissions from 2 submitters: Uncertain significance (2). Last evaluated 2026-01-29.

Conditions:
Cardiovascular phenotype. Identifiers: MedGen CN230736.

gnomAD v4.1: 10 of 1,608,174 alleles (0.00062%); highest among the groups gnomAD compares: Non-Finnish European, 0.00076%; no homozygotes.

Submissions (2):

GeneDx
Classification: Uncertain significance. Last evaluated: 2026-01-29. Review status: criteria provided, single submitter. Criteria: GeneDx Variant Classification Process June 2021. Collection method: clinical testing. Allele origin: germline.
Comment: Not observed at significant frequency in large population cohorts (gnomAD); Has not been previously published as pathogenic or benign to our knowledge; In silico analysis suggests this variant may impact gene splicing. In the absence of RNA/functional studies, the actual effect of this sequence change is unknown.

Ambry Genetics
Classification: Uncertain significance for Cardiovascular phenotype. Last evaluated: 2023-10-31. Review status: criteria provided, single submitter. Criteria: Ambry Variant Classification Scheme 2023. Collection method: clinical testing. Allele origin: germline.
Comment: The c.3703C>A variant (also known as p.R1235R), located in coding exon 8 of the TNXB gene, results from a C to A substitution at nucleotide position 3703. This nucleotide substitution does not change the arginine at codon 1235. This nucleotide position is highly conserved in available vertebrate species. In silico splice site analysis predicts that this alteration may result in the creation or strengthening of a novel splice donor site. Since supporting evidence is limited at this time, the clinical significance of this alteration remains unclear.

NM_001365276.2(TNXB):c.3703C>A (p.Arg1235=)

Gene: TNXB (tenascin XB; minus strand). Cytogenetic location: 6p21.33.
Variant type: single nucleotide variant.
Coding change: c.3703C>A on transcript NM_001365276.2 (MANE Select); coding-DNA position 3703, C replaced by A.
Protein change: p.Arg1235=; no amino-acid change (arginine 1235 retained).
Molecular consequence: synonymous variant.
Genome position (GRCh38, 1-based): chr6:32,082,069, G>T on the plus strand (C>A on the coding strand, the complement: TNXB is on the minus strand). VCF-style: chr6-32082069-G-T. GRCh37 (hg19) VCF-style: chr6-32049846-G-T.
Other names: c.3703C>A, p.Arg1235= (NM_019105.8); c.4444C>A, p.Arg1482= (NM_001428335.1).
Identifiers: ClinVar variation 3227269 (VCV003227269.2), dbSNP rs754586168, ClinGen allele CA136896698.